The following is an entry in ClinVar:

NM_016302.4(CRBN):c.1314_1317dup (p.Leu440fs)

Genes: CRBN (cereblon; minus strand), TRNT1 (tRNA nucleotidyl transferase 1; plus strand). Cytogenetic location: 3p26.2.
Variant type: Duplication.
Coding change: c.1314_1317dup on transcript NM_016302.4 (MANE Select); coding-DNA positions 1314 to 1317, 4 bases duplicated (AATA; older notation c.1314_1317dupAATA).
Protein change: p.Leu440fs; shifts the reading frame from leucine 440.
Molecular consequence: frameshift variant. On other transcripts: 3 prime UTR variant (1), non-coding transcript variant (3).
Genome position (GRCh38, 1-based): chr3:3,150,877-3,150,880, TATT duplicated on the plus strand (AATA on the coding strand, the reverse complement: CRBN is on the minus strand). VCF-style (leftmost placement, unchanged base first): chr3-3150876-G-GTATT. GRCh37 (hg19) VCF-style: chr3-3192560-G-GTATT.
Other names: c.*371_*374dup (NM_001367321.1); c.1311_1314dup, p.Leu439fs (NM_001173482.1); short protein forms L439fs, L440fs.
Identifiers: ClinVar variation 1302609 (VCV001302609.4), dbSNP rs775360170, ClinGen allele CA2228974.

ClinVar aggregate classification (germline): Uncertain significance (1 of 4 stars; one submission).

Allele frequency attached by ClinVar (database versions not stated): ExAC 0.00001; gnomAD 0.00001; TOPMed 0.00001; gnomAD exomes below 0.00001.

Submission:

GeneDx
Classification: Uncertain significance. Last evaluated: 2019-03-30. Review status: criteria provided, single submitter. Criteria: GeneDx Variant Classification Process June 2021. Collection method: clinical testing. Allele origin: germline. Affected: yes.
Comment: Not observed in large population cohorts (Lek et al., 2016); Frameshift variant predicted to result in protein truncation as the last 3 amino acids are lost and replaced with 14 incorrect amino acids, although loss-of-function variants have not been reported downstream of this position in the protein; Has not been previously published as pathogenic or benign to our knowledge